The following is an entry in ClinVar:

NM_001382241.1(TNPO2):c.873G>A (p.Leu291=)

Gene: TNPO2 (transportin 2; minus strand). Cytogenetic location: 19p13.13.
Variant type: single nucleotide variant.
Coding change: c.873G>A on transcript NM_001382241.1 (MANE Select); coding-DNA position 873, G replaced by A.
Protein change: p.Leu291=; no amino-acid change (leucine 291 retained).
Molecular consequence: synonymous variant. On other transcripts: non-coding transcript variant (6).
Genome position (GRCh38, 1-based): chr19:12,714,838, C>T on the plus strand (G>A on the coding strand, the complement: TNPO2 is on the minus strand). VCF-style: chr19-12714838-C-T. GRCh37 (hg19) VCF-style: chr19-12825652-C-T.
Other names: c.873G>A, p.Leu291= (NM_001136195.2, NM_001136196.2, NM_001382236.1 and 7 more transcripts).
Identifiers: ClinVar variation 3346534 (VCV003346534.1).
Genomic context (GRCh38, chr19:12,714,838, plus strand): 5'-GGGTCGAAGCTGGGGTAGGACAGTGGGCAGCAGCAGCACTCACTGGACCAGATGGGAGGC[C>T]AGGACTTCCTTGCAGATGGGCTGCTCGGCCAGCGTCAGCCAGAACTCACAGGCCTCAAGG-3'
Protein context (NP_001369170.1, residues 281-301): LAEQPICKEV[Leu291=]ASHLVQLIPI

ClinVar aggregate classification (germline): Likely benign (0 of 4 stars; one submission).

Conditions:
TNPO2-related disorder. Also called: TNPO2-related condition.

gnomAD v4.1: 1 of 1,613,786 alleles (0.000062%); no homozygotes.

Submission:

PreventionGenetics, part of Exact Sciences
Classification: Likely benign for TNPO2-related condition. Last evaluated: 2024-06-20. Review status: no assertion criteria provided. Collection method: clinical testing. Allele origin: germline.
Comment: This variant is classified as likely benign based on ACMG/AMP sequence variant interpretation guidelines (Richards et al. 2015 PMID: 25741868, with internal and published modifications).